The following is an entry in ClinVar:

NM_033118.4(MYLK2):c.1683G>A (p.Lys561=)

Gene: MYLK2 (myosin light chain kinase 2; plus strand). Cytogenetic location: 20q11.21.
Variant type: single nucleotide variant.
Coding change: c.1683G>A on transcript NM_033118.4 (MANE Select); coding-DNA position 1683, G replaced by A.
Protein change: p.Lys561=; no amino-acid change (lysine 561 retained).
Molecular consequence: synonymous variant.
Genome position (GRCh38, 1-based): chr20:31,832,109, G>A. VCF-style: chr20-31832109-G-A. GRCh37 (hg19) VCF-style: chr20-30419912-G-A.
Identifiers: ClinVar variation 227626 (VCV000227626.5), dbSNP rs756719732, ClinGen allele CA9803292.

ClinVar aggregate classification (germline): Likely benign. Review status: criteria provided, multiple submitters, no conflicts (2 of 4 stars). 2 submissions from 2 submitters: Likely benign (2). Last evaluated 2025-10-01.

Allele frequency attached by ClinVar (database versions not stated): gnomAD exomes below 0.00001 and 0.00002; ExAC 0.00002.
gnomAD v4.1: 6 of 1,518,814 alleles (0.0004%); highest among the groups gnomAD compares: South Asian, 0.0067%; no homozygotes.

Submissions (2):

Ambry Genetics
Classification: Likely benign. Last evaluated: 2025-10-01. Review status: criteria provided, single submitter. Criteria: Ambry Variant Classification Scheme 2023. Collection method: clinical testing. Allele origin: germline.

Laboratory for Molecular Medicine, Mass General Brigham Personalized Medicine
Classification: Likely benign. Last evaluated: 2015-11-09. Review status: criteria provided, single submitter. Criteria: LMM Criteria. Collection method: clinical testing. Allele origin: germline. Observed: 1 variant allele.
Comment: p.Lys561Lys in exon 12 of MYLK2: This variant is not expected to have clinical s ignificance because it does not alter an amino acid residue and is not located w ithin the splice consensus sequence. It has been identified in 2/12696 South Asi an chromosomes by the Exome Aggregation Consortium (ExAC; dbSNP rs756719732).